The following is an entry in ClinVar:

NM_001365951.3(KIF1B):c.2977G>T (p.Val993Leu)

Gene: KIF1B (kinesin family member 1B; plus strand). Cytogenetic location: 1p36.22.
Variant type: single nucleotide variant.
Coding change: c.2977G>T on transcript NM_001365951.3 (MANE Select); coding-DNA position 2977, G replaced by T.
Protein change: p.Val993Leu; replaces valine 993 with leucine.
Molecular consequence: missense variant.
Genome position (GRCh38, 1-based): chr1:10,334,572, G>T. VCF-style: chr1-10334572-G-T. GRCh37 (hg19) VCF-style: chr1-10394630-G-T.
Other names: c.2977G>T, p.Val993Leu (NM_001365952.1); c.2839G>T, p.Val947Leu (NM_015074.3); short protein forms V993L, V947L.
Identifiers: ClinVar variation 4841871 (VCV004841871.1).

ClinVar aggregate classification (germline): Uncertain significance (1 of 4 stars; one submission).

Submission:

Ambry Genetics
Classification: Uncertain significance. Last evaluated: 2025-12-21. Review status: criteria provided, single submitter. Criteria: Ambry Variant Classification Scheme 2023. Collection method: clinical testing. Allele origin: germline.
Comment: The p.V947L variant (also known as c.2839G>T), located in coding exon 25 of the KIF1B gene, results from a G to T substitution at nucleotide position 2839. The valine at codon 947 is replaced by leucine, an amino acid with highly similar properties. This amino acid position is conserved. In addition, the in silico prediction for this alteration is inconclusive. Based on the available evidence, the clinical significance of this variant remains unclear.